The following is an entry in ClinVar:

ClinVar aggregate classification (germline): Uncertain significance (1 of 4 stars; one submission).

Submission:

Labcorp Genetics (formerly Invitae), Labcorp
Classification: Uncertain significance. Last evaluated: 2025-03-13. Review status: criteria provided, single submitter. Criteria: Invitae Variant Classification Sherloc (09022015). Collection method: clinical testing. Allele origin: germline.
Comment: This variant, c.231_236del, results in the deletion of 2 amino acid(s) of the RUNX2 protein (p.Ala88_Ala89del), but otherwise preserves the integrity of the reading frame. The frequency data for this variant in the population databases is considered unreliable, as metrics indicate poor data quality at this position in the gnomAD database. This variant has not been reported in the literature in individuals affected with RUNX2-related conditions. ClinVar contains an entry for this variant (Variation ID: 1351643). Experimental studies and prediction algorithms are not available or were not evaluated, and the functional significance of this variant is currently unknown. In summary, the available evidence is currently insufficient to determine the role of this variant in disease. Therefore, it has been classified as a Variant of Uncertain Significance.

NM_001024630.4(RUNX2):c.231_236del (p.Ala88_Ala89del)

Genes: RUNX2 (RUNX family transcription factor 2; plus strand), LOC109611589 (runt related transcription factor 2 polyalanine expansion region; plus strand). Cytogenetic location: 6p21.1.
Variant type: Deletion.
Coding change: c.231_236del on transcript NM_001024630.4 (MANE Select); coding-DNA positions 231 to 236, 6 bases deleted (TGCGGC; older notation c.231_236delTGCGGC).
Protein change: p.Ala88_Ala89del.
Molecular consequence: inframe deletion.
Genome position (GRCh38, 1-based): chr6:45,422,765-45,422,770, TGCGGC deleted; deleting any 6 consecutive bases within chr6:45,422,760-45,422,770 gives the same sequence; the c. name uses the placement nearest the transcript's 3' end. VCF-style (leftmost placement, unchanged base first): chr6-45422759-GGCGGCT-G. GRCh37 (hg19) VCF-style: chr6-45390496-GGCGGCT-G.
Other names: c.231_236del, p.Ala88_Ala89del (NM_001015051.4); c.189_194del, p.Ala74_Ala75del (NM_001278478.2, NM_001369405.1).
Identifiers: ClinVar variation 1351643 (VCV001351643.6), dbSNP rs1325111477, ClinGen allele CA567156253.